The following is an entry in ClinVar:

ClinVar aggregate classification (germline): Uncertain significance (1 of 4 stars; one submission).

Conditions:
Rhabdoid tumor predisposition syndrome 2 (RTPS2). Identifiers: Orphanet 231108, Orphanet 69077, MedGen C2750074, MONDO:0013224, OMIM 613325.

Submission:

Labcorp Genetics (formerly Invitae), Labcorp
Classification: Uncertain significance for Rhabdoid tumor predisposition syndrome 2. Last evaluated: 2025-08-09. Review status: criteria provided, single submitter. Criteria: Invitae Variant Classification Sherloc (09022015). Collection method: clinical testing. Allele origin: germline.
Comment: This sequence change replaces aspartic acid, which is acidic and polar, with glutamic acid, which is acidic and polar, at codon 1294 of the SMARCA4 protein (p.Asp1294Glu). This variant is not present in population databases (gnomAD no frequency). This variant has not been reported in the literature in individuals affected with SMARCA4-related conditions. Invitae Evidence Modeling of protein sequence and biophysical properties (such as structural, functional, and spatial information, amino acid conservation, physicochemical variation, residue mobility, and thermodynamic stability) has been performed for this missense variant. However, the output from this modeling did not meet the statistical confidence thresholds required to predict the impact of this variant on SMARCA4 protein function. In summary, the available evidence is currently insufficient to determine the role of this variant in disease. Therefore, it has been classified as a Variant of Uncertain Significance.

NM_003072.5(SMARCA4):c.3882C>A (p.Asp1294Glu)

Gene: SMARCA4 (SWI/SNF related BAF chromatin remodeling complex subunit ATPase 4; plus strand). Cytogenetic location: 19p13.2.
Variant type: single nucleotide variant.
Coding change: c.3882C>A on transcript NM_003072.5 (MANE Select); coding-DNA position 3882, C replaced by A.
Protein change: p.Asp1294Glu; replaces aspartic acid 1294 with glutamic acid.
Molecular consequence: missense variant. On other transcripts: non-coding transcript variant (1).
Genome position (GRCh38, 1-based): chr19:11,034,131, C>A. VCF-style: chr19-11034131-C-A. GRCh37 (hg19) VCF-style: chr19-11144807-C-A.
Other names: c.3882C>A, p.Asp1294Glu (NM_001128844.3, NM_001128849.3, NM_001387283.1); c.3783C>A, p.Asp1261Glu (NM_001128845.2, NM_001128846.2, NM_001128847.4 and 3 more transcripts); short protein forms D1261E, D1294E.
Identifiers: ClinVar variation 4802582 (VCV004802582.1).
Genomic context (GRCh38, chr19:11,034,131, plus strand): 5'-GCCGCCCACCCCGGCCCCTCCTCAGCGGCACTGACAGTTTGCAATCTTATAGGAGGAAGA[C>A]GAGGTGCCCGACGACGAGACCGTCAACCAGATGATCGCCCGGCACGAGGAGGAGTTTGAT-3'
Protein context (NP_003063.2, residues 1284-1304): DLEEPPLKEE[Asp1294Glu]EVPDDETVNQ